The following is an entry in ClinVar:

ClinVar aggregate classification (germline): Conflicting classifications of pathogenicity. Review status: criteria provided, conflicting classifications (1 of 4 stars). 2 submissions from 2 submitters: Likely pathogenic (1); Uncertain significance (1). Last evaluated 2022-11-10.

Conditions:
Surfactant metabolism dysfunction, pulmonary, 1. Also called: Pulmonary surfactant protein B, deficiency of; Neonatal acute respiratory distress due to SP-B deficiency; INTERSTITIAL LUNG DISEASE DUE TO SURFACTANT PROTEIN B DEFICIENCY; INTERSTITIAL LUNG DISEASE, NONSPECIFIC, DUE TO SURFACTANT PROTEIN B DEFICIENCY; PULMONARY ALVEOLAR PROTEINOSIS, CONGENITAL, 1. Identifiers: Orphanet 217563, MedGen C1968602, MONDO:0009929, OMIM 265120.

gnomAD v4.1: 2 of 1,572,036 alleles (0.00013%); highest among the groups gnomAD compares: East Asian, 0.0023%; no homozygotes.

Submissions (2):

Labcorp Genetics (formerly Invitae), Labcorp
Classification: Likely pathogenic. Last evaluated: 2022-11-10. Review status: criteria provided, single submitter. Criteria: Invitae Variant Classification Sherloc (09022015). Collection method: clinical testing. Allele origin: germline.
Comment: This sequence change falls in intron 7 of the SFTPB gene. It does not directly change the encoded amino acid sequence of the SFTPB protein. This variant is not present in population databases (gnomAD no frequency). This variant has been observed in individual(s) with clinical features of SFTPB-related conditions (Invitae). It has also been observed to segregate with disease in related individuals. ClinVar contains an entry for this variant (Variation ID: 1030864). Algorithms developed to predict the effect of sequence changes on RNA splicing suggest that this variant may disrupt the consensus splice site. In summary, the currently available evidence indicates that the variant is pathogenic, but additional data are needed to prove that conclusively. Therefore, this variant has been classified as Likely Pathogenic.

Baylor Genetics
Classification: Uncertain significance for Surfactant metabolism dysfunction, pulmonary, 1. Last evaluated: 2020-04-08. Review status: criteria provided, single submitter. Criteria: ACMG Guidelines, 2015. Collection method: clinical testing. Allele origin: unknown. Affected: yes.
Comment: This variant was determined to be of uncertain significance according to ACMG Guidelines, 2015 [PMID:25741868].

NM_000542.5(SFTPB):c.673-14C>A

Gene: SFTPB (surfactant protein B; minus strand). Cytogenetic location: 2p11.2.
Variant type: single nucleotide variant.
Coding change: c.673-14C>A on transcript NM_000542.5 (MANE Select); 14 bases into the intron before coding-DNA position 673, C replaced by A.
Molecular consequence: intron variant.
Genome position (GRCh38, 1-based): chr2:85,663,861, G>T on the plus strand (C>A on the coding strand, the complement: SFTPB is on the minus strand). VCF-style: chr2-85663861-G-T. GRCh37 (hg19) VCF-style: chr2-85890984-G-T.
Other names: c.673-14C>A (NM_198843.3, NM_001367281.1).
Identifiers: ClinVar variation 1030864 (VCV001030864.4), dbSNP rs778349143, ClinGen allele CA1743958.